The following is an entry in ClinVar:

ClinVar aggregate classification (germline): Likely pathogenic (1 of 4 stars; one submission).

Conditions:
Lowe syndrome (OCRL). Also called: LOWE OCULOCEREBRORENAL SYNDROME; PHOSPHATIDYLINOSITOL 4,5-BISPHOSPHATE 5-PHOSPHATASE DEFICIENCY; Oculocerebrorenal Syndrome. Identifiers: Orphanet 534, MedGen C0028860, MONDO:0010645, OMIM 309000.

Submission:

Labcorp Genetics (formerly Invitae), Labcorp
Classification: Likely pathogenic for Lowe syndrome. Last evaluated: 2024-03-03. Review status: criteria provided, single submitter. Criteria: Invitae Variant Classification Sherloc (09022015). Collection method: clinical testing. Allele origin: germline.
Comment: This sequence change affects a donor splice site in intron 18 of the OCRL gene. It is expected to disrupt RNA splicing. Variants that disrupt the donor or acceptor splice site typically lead to a loss of protein function (PMID: 16199547), and loss-of-function variants in OCRL are known to be pathogenic (PMID: 19390221, 21031565, 22381590). This variant is not present in population databases (gnomAD no frequency). This variant has not been reported in the literature in individuals affected with OCRL-related conditions. Algorithms developed to predict the effect of sequence changes on RNA splicing suggest that this variant may disrupt the consensus splice site. In summary, the currently available evidence indicates that the variant is pathogenic, but additional data are needed to prove that conclusively. Therefore, this variant has been classified as Likely Pathogenic.

Literature cited by the submitters: PubMed 16199547; PubMed 19390221; PubMed 21031565; PubMed 22381590.

NM_000276.4(OCRL):c.2115+1G>C

Gene: OCRL (OCRL inositol polyphosphate-5-phosphatase; plus strand). Cytogenetic location: Xq26.1.
Variant type: single nucleotide variant.
Coding change: c.2115+1G>C on transcript NM_000276.4 (MANE Select); the canonical splice donor site of the intron after coding-DNA position 2115, G replaced by C.
Molecular consequence: splice donor variant.
Genome position (GRCh38, 1-based): chrX:129,576,553, G>C. VCF-style: chrX-129576553-G-C. GRCh37 (hg19) VCF-style: chrX-128710530-G-C.
Other names: c.2118+1G>C (NM_001318784.2); c.2115+1G>C (NM_001587.4).
Identifiers: ClinVar variation 3639108 (VCV003639108.2).